The following is an entry in ClinVar:

NM_004183.4(BEST1):c.391T>C (p.Tyr131His)

Gene: BEST1 (bestrophin 1; plus strand). Cytogenetic location: 11q12.3.
Variant type: single nucleotide variant.
Coding change: c.391T>C on transcript NM_004183.4 (MANE Select); coding-DNA position 391, T replaced by C.
Protein change: p.Tyr131His; replaces tyrosine 131 with histidine.
Molecular consequence: missense variant. On other transcripts: non-coding transcript variant (1).
Genome position (GRCh38, 1-based): chr11:61,955,861, T>C. VCF-style: chr11-61955861-T-C. GRCh37 (hg19) VCF-style: chr11-61723333-T-C.
Other names: c.211T>C, p.Tyr71His (NM_001139443.3, NM_001300786.2, NM_001300787.2); c.73T>C, p.Tyr25His (NM_001363591.3); c.391T>C, p.Tyr131His (NM_001363592.2); c.-785T>C (NM_001363593.3); short protein forms Y71H, Y131H, Y25H.
Identifiers: ClinVar variation 1037154 (VCV001037154.10), dbSNP rs1941271894, ClinGen allele CA380834958.
Genomic context (GRCh38, chr11:61,955,861, plus strand): 5'-TCGGGCTTCGTCGAAGGCAAGGACGAGCAAGGCCGGCTGCTGCGGCGCACGCTCATCCGC[T>C]ACGCCAACCTGGGCAACGTGCTCATCCTGCGCAGCGTCAGCACCGCAGTCTACAAGCGCT-3'
Protein context (NP_004174.1, residues 121-141): GRLLRRTLIR[Tyr131His]ANLGNVLILR

ClinVar aggregate classification (germline): Uncertain significance (1 of 4 stars; one submission).

Submission:

Labcorp Genetics (formerly Invitae), Labcorp
Classification: Uncertain significance. Last evaluated: 2024-12-02. Review status: criteria provided, single submitter. Criteria: Invitae Variant Classification Sherloc (09022015). Collection method: clinical testing. Allele origin: germline.
Comment: This sequence change replaces tyrosine, which is neutral and polar, with histidine, which is basic and polar, at codon 131 of the BEST1 protein (p.Tyr131His). This variant is not present in population databases (gnomAD no frequency). This variant has not been reported in the literature in individuals affected with BEST1-related conditions. ClinVar contains an entry for this variant (Variation ID: 1037154). Invitae Evidence Modeling of protein sequence and biophysical properties (such as structural, functional, and spatial information, amino acid conservation, physicochemical variation, residue mobility, and thermodynamic stability) indicates that this missense variant is expected to disrupt BEST1 protein function with a positive predictive value of 95%. In summary, the available evidence is currently insufficient to determine the role of this variant in disease. Therefore, it has been classified as a Variant of Uncertain Significance.